The following is an entry in ClinVar:

ClinVar aggregate classification (germline): Uncertain significance (1 of 4 stars; one submission).

Conditions:
Bardet-Biedl syndrome (BBS). Identifiers: Orphanet 110, MedGen C0752166, MONDO:0015229.

Allele frequency attached by ClinVar (database versions not stated): gnomAD exomes below 0.00001 and 0.00003.
gnomAD v4.1: 36 of 1,614,082 alleles (0.0022%); highest among the groups gnomAD compares: Non-Finnish European, 0.0031%; no homozygotes.

Submission:

Labcorp Genetics (formerly Invitae), Labcorp
Classification: Uncertain significance for Bardet-Biedl syndrome. Last evaluated: 2019-10-15. Review status: criteria provided, single submitter. Criteria: Invitae Variant Classification Sherloc (09022015). Collection method: clinical testing. Allele origin: germline.
Comment: In summary, the available evidence is currently insufficient to determine the role of this variant in disease. Therefore, it has been classified as a Variant of Uncertain Significance. Algorithms developed to predict the effect of sequence changes on RNA splicing suggest that this variant may create or strengthen a splice site, but this prediction has not been confirmed by published transcriptional studies. Algorithms developed to predict the effect of missense changes on protein structure and function are either unavailable or do not agree on the potential impact of this missense change (SIFT: "Deleterious"; PolyPhen-2: "Probably Damaging"; Align-GVGD: "Class C15"). This variant has not been reported in the literature in individuals with WDPCP-related conditions. This variant is not present in population databases (ExAC no frequency). This sequence change replaces threonine with arginine at codon 282 of the WDPCP protein (p.Thr282Arg). The threonine residue is highly conserved and there is a moderate physicochemical difference between threonine and arginine.

NM_015910.7(WDPCP):c.845C>G (p.Thr282Arg)

Gene: WDPCP (WD repeat containing planar cell polarity effector; minus strand). Cytogenetic location: 2p15.
Variant type: single nucleotide variant.
Coding change: c.845C>G on transcript NM_015910.7 (MANE Select); coding-DNA position 845, C replaced by G.
Protein change: p.Thr282Arg; replaces threonine 282 with arginine.
Molecular consequence: missense variant. On other transcripts: non-coding transcript variant (3).
Genome position (GRCh38, 1-based): chr2:63,404,638, G>C on the plus strand (C>G on the coding strand, the complement: WDPCP is on the minus strand). VCF-style: chr2-63404638-G-C. GRCh37 (hg19) VCF-style: chr2-63631773-G-C.
Other names: c.368C>G, p.Thr123Arg (NM_001042692.3); c.773C>G, p.Thr258Arg (NM_001354044.2); c.845C>G, p.Thr282Arg (NM_001354045.2); short protein forms T282R, T123R, T258R.
Identifiers: ClinVar variation 971805 (VCV000971805.9), dbSNP rs1241185405, ClinGen allele CA347065696.